The following is an entry in ClinVar:

ClinVar aggregate classification (germline): Uncertain significance (1 of 4 stars; one submission).

Allele frequency attached by ClinVar (database versions not stated): gnomAD exomes below 0.00001.
gnomAD v4.1: 4 of 1,614,170 alleles (0.00025%); highest among the groups gnomAD compares: Non-Finnish European, 0.00034%; no homozygotes.

Submission:

CeGaT Center for Human Genetics Tuebingen
Classification: Uncertain significance. Last evaluated: 2023-10-01. Review status: criteria provided, single submitter. Criteria: CeGaT Center For Human Genetics Tuebingen Variant Classification Criteria Version 2. Collection method: clinical testing. Allele origin: germline. Affected: yes. Observed: 1 variant allele.
Comment: POLG: PM2

NM_002693.3(POLG):c.1309G>T (p.Val437Phe)

Gene: POLG (DNA polymerase gamma, catalytic subunit; minus strand). Cytogenetic location: 15q26.1.
Variant type: single nucleotide variant.
Coding change: c.1309G>T on transcript NM_002693.3 (MANE Select); coding-DNA position 1309, G replaced by T.
Protein change: p.Val437Phe; replaces valine 437 with phenylalanine.
Molecular consequence: missense variant.
Genome position (GRCh38, 1-based): chr15:89,327,291, C>A on the plus strand (G>T on the coding strand, the complement: POLG is on the minus strand). VCF-style: chr15-89327291-C-A. GRCh37 (hg19) VCF-style: chr15-89870522-C-A.
Other names: c.1309G>T, p.Val437Phe (NM_001126131.2); short protein forms V437F.
Identifiers: ClinVar variation 2645691 (VCV002645691.24), dbSNP rs2509256288, ClinGen allele CA393762532.